The following is an entry in ClinVar:

NM_005027.4(PIK3R2):c.1669G>T (p.Asp557Tyr)

Gene: PIK3R2 (phosphoinositide-3-kinase regulatory subunit 2; plus strand). Cytogenetic location: 19p13.11.
Variant type: single nucleotide variant.
Coding change: c.1669G>T on transcript NM_005027.4 (MANE Select); coding-DNA position 1669, G replaced by T.
Protein change: p.Asp557Tyr; replaces aspartic acid 557 with tyrosine.
Molecular consequence: missense variant. On other transcripts: non-coding transcript variant (2).
Genome position (GRCh38, 1-based): chr19:18,167,239, G>T. VCF-style: chr19-18167239-G-T. GRCh37 (hg19) VCF-style: chr19-18278049-G-T.
Other names: c.1669G>T (NM_005027.3, NM_005027.2); short protein forms D557Y.
Identifiers: ClinVar variation 1344841 (VCV001344841.6), dbSNP rs372272045, ClinGen allele CA9307097.

ClinVar aggregate classification (germline): Pathogenic/Likely pathogenic. Review status: criteria provided, multiple submitters, no conflicts (2 of 4 stars). 4 submissions from 4 submitters: Pathogenic (2); Likely pathogenic (1). 1 of the submissions does not count toward it. Last evaluated 2026-01-13.

Conditions:
PIK3R2-related disorder. Also called: PIK3R2-related condition.
Seizure. Also called: Seizures. Identifiers: MedGen C0036572, HP:0001250.

Allele frequency attached by ClinVar (database versions not stated): ExAC 0.00001.

Submissions (4):

PreventionGenetics, part of Exact Sciences
Classification: Pathogenic for PIK3R2-related condition. Last evaluated: 2026-01-13. Review status: criteria provided, single submitter. Criteria: ACMG Guidelines, 2015. Collection method: clinical testing. Allele origin: germline.
Comment: The PIK3R2 c.1669G>T variant is predicted to result in the amino acid substitution p.Asp557Tyr. This variant was reported to have occurred de novo in an individual with epilepsy, macrocephaly, and ventriculomegaly (Epilepsy Phenome/Genome Project, Epi4K Consortium 2021. PubMed ID: 33818783). This variant has not been reported in a large population database in gnomAD, indicating this variant is rare. A different nucleotide substitution affecting the same amino acid (p.Asp557His) has been reported de novo in an individual with megalencephaly-polymicrogyria-polydactyly-hydrocephalus syndrome (Terrone et al. 2016. PubMed ID: 26860062). The c.1669G>T (p.Asp557Tyr) variant is interpreted as pathogenic.

GeneDx
Classification: Pathogenic. Last evaluated: 2024-08-14. Review status: criteria provided, single submitter. Criteria: GeneDx Variant Classification Process June 2021. Collection method: clinical testing. Allele origin: germline.
Comment: Not observed at significant frequency in large population cohorts (gnomAD); In silico analysis supports that this missense variant has a deleterious effect on protein structure/function; This variant is associated with the following publications: (PMID: 29610475, 33818783, 37486637)

Blueprint Genetics
Classification: Likely pathogenic for PIK3R2-related disorders. Last evaluated: 2021-02-04. Review status: criteria provided, single submitter. Criteria: ACMG Guidelines, 2015. Collection method: clinical testing. Allele origin: germline. Affected: yes. Observed: 1 variant allele.

Yale Center for Mendelian Genomics, Yale University
Classification: Likely pathogenic for Seizure. Last evaluated: 2021-04-05. Review status: no assertion criteria provided. Collection method: literature only. Allele origin: de novo. Affected: yes. Observed: 1 heterozygote. Study: Yale Center for Mendelian Genomics. Not counted in ClinVar's aggregate classification.

Literature cited by the submitters: PubMed 33818783 (cited by Yale Center for Mendelian Genomics, Yale University).